The following is an entry in ClinVar:

NM_001113378.2(FANCI):c.1641T>C (p.Phe547=)

Gene: FANCI (FA complementation group I; plus strand). Cytogenetic location: 15q26.1.
Variant type: single nucleotide variant.
Coding change: c.1641T>C on transcript NM_001113378.2 (MANE Select); coding-DNA position 1641, T replaced by C.
Protein change: p.Phe547=; no amino-acid change (phenylalanine 547 retained).
Molecular consequence: synonymous variant.
Genome position (GRCh38, 1-based): chr15:89,283,193, T>C. VCF-style: chr15-89283193-T-C. GRCh37 (hg19) VCF-style: chr15-89826424-T-C.
Other names: c.1362T>C, p.Phe454= (NM_001376910.1); c.1641T>C, p.Phe547= (NM_001376911.1, NM_018193.3).
Identifiers: ClinVar variation 2645680 (VCV002645680.24), dbSNP rs2506958606, ClinGen allele CA492077046.

ClinVar aggregate classification (germline): Likely benign (1 of 4 stars; one submission).

Allele frequency attached by ClinVar (database versions not stated): gnomAD exomes below 0.00001.
gnomAD v4.1: 1 of 1,614,218 alleles (0.000062%); highest among the groups gnomAD compares: South Asian, 0.0011%; no homozygotes.

Submission:

CeGaT Center for Human Genetics Tuebingen
Classification: Likely benign. Last evaluated: 2022-04-01. Review status: criteria provided, single submitter. Criteria: CeGaT Center For Human Genetics Tuebingen Variant Classification Criteria Version 2. Collection method: clinical testing. Allele origin: germline. Affected: yes. Observed: 1 variant allele.
Comment: FANCI: PM2:Supporting, BP4, BP7